The following is an entry in ClinVar:

ClinVar aggregate classification (germline): Uncertain significance (1 of 4 stars; one submission).

Conditions:
Hyperkalemic periodic paralysis. Also called: Familial hyperkalemic periodic paralysis; Gamstorp disease. Identifiers: Orphanet 682, MedGen C0238357, MONDO:0008224, OMIM 170500, HP:0007215.

Submission:

Labcorp Genetics (formerly Invitae), Labcorp
Classification: Uncertain significance for Hyperkalemic periodic paralysis. Last evaluated: 2022-08-16. Review status: criteria provided, single submitter. Criteria: Invitae Variant Classification Sherloc (09022015). Collection method: clinical testing. Allele origin: germline.
Comment: Algorithms developed to predict the effect of missense changes on protein structure and function are either unavailable or do not agree on the potential impact of this missense change (SIFT: "Deleterious"; PolyPhen-2: "Possibly Damaging"; Align-GVGD: "Class C15"). ClinVar contains an entry for this variant (Variation ID: 846153). This variant has not been reported in the literature in individuals affected with SCN4A-related conditions. This variant is not present in population databases (gnomAD no frequency). This sequence change replaces leucine, which is neutral and non-polar, with proline, which is neutral and non-polar, at codon 841 of the SCN4A protein (p.Leu841Pro). In summary, the available evidence is currently insufficient to determine the role of this variant in disease. Therefore, it has been classified as a Variant of Uncertain Significance.

NM_000334.4(SCN4A):c.2522T>C (p.Leu841Pro)

Genes: GH-LCR (growth hormone locus control region; plus strand), SCN4A (sodium voltage-gated channel alpha subunit 4; minus strand). Cytogenetic location: 17q23.3.
Variant type: single nucleotide variant.
Coding change: c.2522T>C on transcript NM_000334.4 (MANE Select); coding-DNA position 2522, T replaced by C.
Protein change: p.Leu841Pro; replaces leucine 841 with proline.
Molecular consequence: missense variant.
Genome position (GRCh38, 1-based): chr17:63,951,755, A>G on the plus strand (T>C on the coding strand, the complement: SCN4A is on the minus strand). VCF-style: chr17-63951755-A-G. GRCh37 (hg19) VCF-style: chr17-62029115-A-G.
Other names: short protein forms L841P.
Identifiers: ClinVar variation 846153 (VCV000846153.10), dbSNP rs1908921340, ClinGen allele CA400626862.